The following is an entry in ClinVar:

NM_016013.4(NDUFAF1):c.368T>C (p.Val123Ala)

Gene: NDUFAF1 (NADH:ubiquinone oxidoreductase complex assembly factor 1; minus strand). Cytogenetic location: 15q15.1.
Variant type: single nucleotide variant.
Coding change: c.368T>C on transcript NM_016013.4 (MANE Select); coding-DNA position 368, T replaced by C.
Protein change: p.Val123Ala; replaces valine 123 with alanine.
Molecular consequence: missense variant. On other transcripts: non-coding transcript variant (1).
Genome position (GRCh38, 1-based): chr15:41,396,692, A>G on the plus strand (T>C on the coding strand, the complement: NDUFAF1 is on the minus strand). VCF-style: chr15-41396692-A-G. GRCh37 (hg19) VCF-style: chr15-41688890-A-G.
Other names: p.V123A:GTT>GCT; p.Val123Ala; short protein forms V123A.
Identifiers: ClinVar variation 214735 (VCV000214735.28), dbSNP rs151286131, ClinGen allele CA323476.
Genomic context (GRCh38, chr15:41,396,692, plus strand): 5'-GTCTTATCAGAAGTCACTGTCCACTTATCCAAATCTTCTTTCCCCCGGAATTGCCAGACA[A>G]CCTTGGCTTGTTCCAGCAAGACCTCATGCAGAGGGTGGCCTTCCGGTCCTCTCCAATGAT-3'
Protein context (NP_057097.2, residues 113-133): LHEVLLEQAK[Val123Ala]VWQFRGKEDL

ClinVar aggregate classification (germline): Uncertain significance. Review status: criteria provided, multiple submitters, no conflicts (2 of 4 stars). 7 submissions from 7 submitters: Uncertain significance (7). Last evaluated 2025-12-03.

Conditions:
Mitochondrial complex I deficiency, nuclear type 1. Also called: NADH-COENZYME Q REDUCTASE DEFICIENCY; MITOCHONDRIAL NADH DEHYDROGENASE COMPONENT OF COMPLEX I, DEFICIENCY OF. Identifiers: MedGen C6022305, MONDO:0100224, OMIM 252010.

Allele frequency attached by ClinVar (database versions not stated): gnomAD exomes 0.00035 and 0.00074; TOPMed 0.00036; gnomAD 0.00038; ExAC 0.00039; ESP Exome Variant Server 0.00054.
gnomAD v4.1: 1,152 of 1,613,968 alleles (0.071%); highest among the groups gnomAD compares: Non-Finnish European, 0.091%; 2 homozygotes.

Submissions (7):

GeneDx
Classification: Uncertain significance. Last evaluated: 2025-12-03. Review status: criteria provided, single submitter. Criteria: GeneDx Variant Classification Process June 2021. Collection method: clinical testing. Allele origin: germline. Affected: yes.
Comment: In silico analysis supports that this missense variant has a deleterious effect on protein structure/function; Has not been previously published as pathogenic or benign to our knowledge

CeGaT Center for Human Genetics Tuebingen
Classification: Uncertain significance. Last evaluated: 2025-06-01. Review status: criteria provided, single submitter. Criteria: CeGaT Center For Human Genetics Tuebingen Variant Classification Criteria Version 2. Collection method: clinical testing. Allele origin: germline. Affected: yes. Observed: 1 variant allele.

Ambry Genetics
Classification: Uncertain significance. Last evaluated: 2025-05-23. Review status: criteria provided, single submitter. Criteria: Ambry Variant Classification Scheme 2023. Collection method: clinical testing. Allele origin: germline.

Labcorp Genetics (formerly Invitae), Labcorp
Classification: Uncertain significance. Last evaluated: 2025-01-16. Review status: criteria provided, single submitter. Criteria: Invitae Variant Classification Sherloc (09022015). Collection method: clinical testing. Allele origin: germline.
Comment: This sequence change replaces valine, which is neutral and non-polar, with alanine, which is neutral and non-polar, at codon 123 of the NDUFAF1 protein (p.Val123Ala). This variant is present in population databases (rs151286131, gnomAD 0.07%), and has an allele count higher than expected for a pathogenic variant. This variant has not been reported in the literature in individuals affected with NDUFAF1-related conditions. ClinVar contains an entry for this variant (Variation ID: 214735). Invitae Evidence Modeling of protein sequence and biophysical properties (such as structural, functional, and spatial information, amino acid conservation, physicochemical variation, residue mobility, and thermodynamic stability) indicates that this missense variant is not expected to disrupt NDUFAF1 protein function with a negative predictive value of 80%. In summary, the available evidence is currently insufficient to determine the role of this variant in disease. Therefore, it has been classified as a Variant of Uncertain Significance.

Mayo Clinic Laboratories, Mayo Clinic
Classification: Uncertain significance. Last evaluated: 2024-07-23. Review status: criteria provided, single submitter. Criteria: ACMG Guidelines, 2015. Collection method: clinical testing. Allele origin: germline. Observed: 2 variant alleles.
Comment: PP3

Eurofins Ntd Llc (ga)
Classification: Uncertain significance. Last evaluated: 2018-03-08. Review status: criteria provided, single submitter. Criteria: EGL ClinVar v180209 classification definitions. Collection method: clinical testing. Allele origin: germline. Observed: 1 variant allele, 1 heterozygote.

Illumina Laboratory Services, Illumina
Classification: Uncertain significance for Mitochondrial complex I deficiency, nuclear type 1. Last evaluated: 2018-01-13. Review status: criteria provided, single submitter. Criteria: ICSL Variant Classification Criteria 13 December 2019. Collection method: clinical testing. Allele origin: germline.